The following is an entry in ClinVar:

NM_000179.3(MSH6):c.458-19T>C

Gene: MSH6 (mutS homolog 6; plus strand). Cytogenetic location: 2p16.3.
Variant type: single nucleotide variant.
Coding change: c.458-19T>C on transcript NM_000179.3 (MANE Select); 19 bases into the intron before coding-DNA position 458, T replaced by C.
Molecular consequence: intron variant. On other transcripts: 5 prime UTR variant (1).
Genome position (GRCh38, 1-based): chr2:47,795,875, T>C. VCF-style: chr2-47795875-T-C. GRCh37 (hg19) VCF-style: chr2-48023014-T-C.
Other names: c.-87T>C (NM_001406807.1); c.458-19T>C (NM_001406809.1, NM_001406796.1, NM_001406808.1 and 5 more transcripts); c.-279-2736T>C (NM_001406811.1, NM_001281493.2, NM_001406812.1 and 4 more transcripts); c.161-19T>C (NM_001406805.1, NM_001406797.1, NM_001406801.1 and 10 more transcripts); c.554-19T>C (NM_001406795.1, NM_001406802.1); c.464-19T>C (NM_001406813.1); c.-537-19T>C (NM_001406814.1); c.-68-19T>C (NM_001406799.1, NM_001406806.1); and 4 more.
Identifiers: ClinVar variation 3903993 (VCV003903993.1).

ClinVar aggregate classification (germline): Likely benign (1 of 4 stars; one submission).

Conditions:
Lynch syndrome 5 (LYNCH5). Also called: Colorectal cancer, hereditary nonpolyposis, type 5; Hereditary non-polyposis colorectal cancer, type 5. Identifiers: Orphanet 144, MedGen C1833477, MONDO:0013710, OMIM 614350. Disease mechanism: loss of function.

Submission:

Myriad Genetics, Inc.
Classification: Likely benign for Lynch syndrome 5. Last evaluated: 2024-12-18. Review status: criteria provided, single submitter. Criteria: Myriad Autosomal Dominant, Autosomal Recessive and X-Linked Classification Criteria (2023). Collection method: clinical testing. Allele origin: unknown.
Comment: This variant is considered likely benign. This variant is intronic and is not expected to impact mRNA splicing.